The following is an entry in ClinVar:

NM_001453.3(FOXC1):c.652C>T (p.Pro218Ser)

Gene: FOXC1 (forkhead box C1; plus strand). Cytogenetic location: 6p25.3.
Variant type: single nucleotide variant.
Coding change: c.652C>T on transcript NM_001453.3 (MANE Select); coding-DNA position 652, C replaced by T.
Protein change: p.Pro218Ser; replaces proline 218 with serine.
Molecular consequence: missense variant.
Genome position (GRCh38, 1-based): chr6:1,611,097, C>T. VCF-style: chr6-1611097-C-T. GRCh37 (hg19) VCF-style: chr6-1611332-C-T.
Other names: short protein forms P218S.
Identifiers: ClinVar variation 2771857 (VCV002771857.4), dbSNP rs1163852789, ClinGen allele CA362559289.
Genomic context (GRCh38, chr6:1,611,097, plus strand): 5'-GGCCGCCAGCCCCCGCCCGCGCCGCCGGAGCAGGCCGACGGCAACGCGCCCGGTCCGCAG[C>T]CGCCGCCCGTGCGCATCCAGGACATCAAGACCGAGAACGGTACGTGCCCCTCGCCGCCCC-3'
Protein context (NP_001444.2, residues 208-228): QADGNAPGPQ[Pro218Ser]PPVRIQDIKT

ClinVar aggregate classification (germline): Uncertain significance. Review status: criteria provided, multiple submitters, no conflicts (2 of 4 stars). 2 submissions from 2 submitters: Uncertain significance (2). Last evaluated 2024-04-22.

Conditions:
Axenfeld-Rieger syndrome type 3 (RIEG3). Also called: AXENFELD-RIEGER ANOMALY WITH CARDIAC DEFECTS AND/OR SENSORINEURAL HEARING LOSS. Identifiers: Orphanet 782, MedGen C2678503, MONDO:0011233, OMIM 602482.
Anterior segment dysgenesis 3 (ASGD3). Also called: IRIDOGONIODYSGENESIS ANOMALY, AUTOSOMAL DOMINANT; Glaucoma iridogoniodysplasia, familial. Identifiers: Orphanet 91483, MedGen C5975707, MONDO:0024456, OMIM 601631.

Allele frequency attached by ClinVar (database versions not stated): TOPMed below 0.00001; gnomAD exomes 0.00001.

Submissions (2):

Fulgent Genetics
Classification: Uncertain significance for Anterior segment dysgenesis 3; Axenfeld-Rieger syndrome type 3. Last evaluated: 2024-04-22. Review status: criteria provided, single submitter. Criteria: ACMG Guidelines, 2015. Collection method: clinical testing. Allele origin: germline.

Labcorp Genetics (formerly Invitae), Labcorp
Classification: Uncertain significance for Axenfeld-Rieger syndrome type 3. Last evaluated: 2023-02-11. Review status: criteria provided, single submitter. Criteria: Invitae Variant Classification Sherloc (09022015). Collection method: clinical testing. Allele origin: germline.
Comment: This sequence change replaces proline, which is neutral and non-polar, with serine, which is neutral and polar, at codon 218 of the FOXC1 protein (p.Pro218Ser). This variant is not present in population databases (gnomAD no frequency). This variant has not been reported in the literature in individuals affected with FOXC1-related conditions. Algorithms developed to predict the effect of missense changes on protein structure and function are either unavailable or do not agree on the potential impact of this missense change (SIFT: "Deleterious"; PolyPhen-2: "Benign"; Align-GVGD: "Class C0"). In summary, the available evidence is currently insufficient to determine the role of this variant in disease. Therefore, it has been classified as a Variant of Uncertain Significance.